The following is an entry in ClinVar:

NM_023036.6(DNAI2):c.1357del (p.Glu453fs)

Gene: DNAI2 (dynein axonemal intermediate chain 2; plus strand). Cytogenetic location: 17q25.1.
Variant type: Deletion.
Coding change: c.1357del on transcript NM_023036.6 (MANE Select); coding-DNA position 1357, one base deleted (G; older notation c.1357delG).
Protein change: p.Glu453fs; shifts the reading frame from glutamic acid 453.
Molecular consequence: frameshift variant. On other transcripts: non-coding transcript variant (1), intron variant (1).
Genome position (GRCh38, 1-based): chr17:74,310,026, G deleted. VCF-style (leftmost placement, unchanged base first): chr17-74310025-CG-C. GRCh37 (hg19) VCF-style: chr17-72306164-CG-C.
Other names: c.1357del, p.Glu453fs (NM_001353167.2); c.1348-27del (NM_001172810.3); short protein forms E453fs.
Identifiers: ClinVar variation 1076863 (VCV001076863.7), dbSNP rs2144112404, ClinGen allele CA2499224922.

ClinVar aggregate classification (germline): Pathogenic (1 of 4 stars; one submission).

Conditions:
Primary ciliary dyskinesia. Also called: Ciliary dyskinesia. Identifiers: Orphanet 244, MedGen C0008780, MONDO:0016575, HP:0012265.

Submission:

Labcorp Genetics (formerly Invitae), Labcorp
Classification: Pathogenic for Primary ciliary dyskinesia. Last evaluated: 2023-01-15. Review status: criteria provided, single submitter. Criteria: Invitae Variant Classification Sherloc (09022015). Collection method: clinical testing. Allele origin: germline.
Comment: This sequence change creates a premature translational stop signal (p.Glu453Argfs*43) in the DNAI2 gene. It is expected to result in an absent or disrupted protein product. Loss-of-function variants in DNAI2 are known to be pathogenic (PMID: 18950741, 23891469). This variant is not present in population databases (gnomAD no frequency). This variant has not been reported in the literature in individuals affected with DNAI2-related conditions. ClinVar contains an entry for this variant (Variation ID: 1076863). For these reasons, this variant has been classified as Pathogenic.

Literature cited by the submitters: PubMed 18950741; PubMed 23891469.